The following is an entry in ClinVar:

NM_000274.4(OAT):c.381dup (p.Thr128fs)

Gene: OAT (ornithine aminotransferase; minus strand). Cytogenetic location: 10q26.13.
Variant type: Duplication.
Coding change: c.381dup on transcript NM_000274.4 (MANE Select); coding-DNA position 381, one base duplicated (T; older notation c.381dupT).
Protein change: p.Thr128fs; shifts the reading frame from threonine 128.
Molecular consequence: frameshift variant. On other transcripts: 5 prime UTR variant (2), intron variant (1).
Genome position (GRCh38, 1-based): chr10:124,408,784, A duplicated on the plus strand (T on the coding strand, the reverse complement: OAT is on the minus strand); the first of 2 consecutive A bases (chr10:124,408,784-124,408,785); duplicating either gives the same sequence. VCF-style (leftmost placement, unchanged base first): chr10-124408783-T-TA. GRCh37 (hg19) VCF-style: chr10-126097352-T-TA.
Other names: c.381dupT (NM_000274.3); c.-34dup (NM_001171814.2); c.381dup, p.Thr128fs (NM_001322965.2, NM_001322966.2, NM_001322967.2 and 3 more transcripts); c.-334dup (NM_001322974.2); c.199+3189dup (NM_001322971.2); short protein forms T128fs.
Identifiers: ClinVar variation 56125 (VCV000056125.4), dbSNP rs386833607, ClinGen allele CA144156.

ClinVar aggregate classification (germline): Likely pathogenic. Review status: criteria provided, multiple submitters, no conflicts (2 of 4 stars). 3 submissions from 3 submitters: Likely pathogenic (2). 1 of the submissions does not count toward it. Last evaluated 2025-06-19.

Conditions:
OAT-related disorder. Also called: OAT-related condition.
Ornithine aminotransferase deficiency (GACR). Also called: Ornithine ketoacid aminotransferase deficiency; Gyrate atrophy; Gyrate atrophy of choroid and retina; Girate atrophy of the retina; OKT DEFICIENCY; HYPERORNITHINEMIA WITH GYRATE ATROPHY OF CHOROID AND RETINA. Identifiers: Orphanet 414, MedGen C0018425, MONDO:0009796, OMIM 258870.

Submissions (3):

PreventionGenetics, part of Exact Sciences
Classification: Likely pathogenic for OAT-related condition. Last evaluated: 2025-06-19. Review status: criteria provided, single submitter. Criteria: ACMG Guidelines, 2015. Collection method: clinical testing. Allele origin: germline.
Comment: The OAT c.381dupT variant is predicted to result in a frameshift and premature protein termination (p.Thr128Tyrfs*2). This variant has been reported in an individual with gyrate atrophy (reported as I127fs(+1), Brody et al. 1992. PubMed ID: 1737786). This variant is present in 0.0018% of alleles in individuals of European (Non-Finnish) descent in gnomAD and has been reported in a carrier study of the general population (Hanany et al. 2020. PubMed ID: 31964843). Frameshift variants in OAT are an established mechanism of disease. This variant is interpreted as likely pathogenic.

Blueprint Genetics
Classification: Likely pathogenic for OAT-related disorders. Last evaluated: 2019-11-28. Review status: criteria provided, single submitter. Criteria: ACMG Guidelines, 2015. Collection method: clinical testing. Allele origin: germline. Affected: yes. Observed: 1 variant allele.

Juha Muilu Group; Institute for Molecular Medicine Finland (FIMM)
Classification: Likely pathogenic for Ornithine aminotransferase deficiency. Review status: no assertion criteria provided. Collection method: not provided. Allele origin: unknown. Not counted in ClinVar's aggregate classification.
Comment: FinDis database variant: This variant was not found or characterized by our laboratory, data were collected from public sources: see reference
ClinVar note: Converted during submission from probable-pathogenic to Likely pathogenic.